The following is an entry in ClinVar:

NM_004370.6(COL12A1):c.6506A>G (p.Tyr2169Cys)

Gene: COL12A1 (collagen type XII alpha 1 chain; minus strand). Cytogenetic location: 6q13.
Variant type: single nucleotide variant.
Coding change: c.6506A>G on transcript NM_004370.6 (MANE Select); coding-DNA position 6506, A replaced by G.
Protein change: p.Tyr2169Cys; replaces tyrosine 2169 with cysteine.
Molecular consequence: missense variant.
Genome position (GRCh38, 1-based): chr6:75,125,228, T>C on the plus strand (A>G on the coding strand, the complement: COL12A1 is on the minus strand). VCF-style: chr6-75125228-T-C. GRCh37 (hg19) VCF-style: chr6-75834944-T-C.
Other names: c.6506A>G, p.Tyr2169Cys (NM_001424113.1); c.6485A>G, p.Tyr2162Cys (NM_001424114.1); c.6233A>G, p.Tyr2078Cys (NM_001424115.1); c.3014A>G, p.Tyr1005Cys (NM_001424116.1, NM_080645.3); short protein forms Y2078C, Y2169C, Y1005C, Y2162C.
Identifiers: ClinVar variation 4793424 (VCV004793424.1).

ClinVar aggregate classification (germline): Uncertain significance (1 of 4 stars; one submission).

Conditions:
Ullrich congenital muscular dystrophy 2 (UCMD2). Identifiers: Orphanet 75840, MedGen C4225314, MONDO:0014654, OMIM 616470.
Bethlem myopathy 2 (BTHLM2). Identifiers: Orphanet 536516, Orphanet 610, MedGen C4225313, MONDO:0034022, OMIM 616471.

gnomAD v4.1: 2 of 1,610,692 alleles (0.00012%); highest among the groups gnomAD compares: East Asian, 0.0022%; no homozygotes.

Submission:

Labcorp Genetics (formerly Invitae), Labcorp
Classification: Uncertain significance for Bethlem myopathy 2; Ullrich congenital muscular dystrophy 2. Last evaluated: 2025-12-15. Review status: criteria provided, single submitter. Criteria: Invitae Variant Classification Sherloc (09022015). Collection method: clinical testing. Allele origin: germline.
Comment: This sequence change replaces tyrosine, which is neutral and polar, with cysteine, which is neutral and slightly polar, at codon 2169 of the COL12A1 protein (p.Tyr2169Cys). This variant is not present in population databases (gnomAD no frequency). This variant has not been reported in the literature in individuals affected with COL12A1-related conditions. Invitae Evidence Modeling of protein sequence and biophysical properties (such as structural, functional, and spatial information, amino acid conservation, physicochemical variation, residue mobility, and thermodynamic stability) has been performed for this missense variant. However, the output from this modeling did not meet the statistical confidence thresholds required to predict the impact of this variant on COL12A1 protein function. In summary, the available evidence is currently insufficient to determine the role of this variant in disease. Therefore, it has been classified as a Variant of Uncertain Significance.